The following is an entry in ClinVar:

ClinVar aggregate classification (germline): Pathogenic (1 of 4 stars; one submission).

Allele frequency attached by ClinVar (database versions not stated): ExAC 0.00001.

Submission:

Labcorp Genetics (formerly Invitae), Labcorp
Classification: Pathogenic. Last evaluated: 2024-11-28. Review status: criteria provided, single submitter. Criteria: Invitae Variant Classification Sherloc (09022015). Collection method: clinical testing. Allele origin: germline.
Comment: This sequence change creates a premature translational stop signal (p.Arg3534*) in the DNAH9 gene. It is expected to result in an absent or disrupted protein product. Loss-of-function variants in DNAH9 are known to be pathogenic (PMID: 30471718). This variant is present in population databases (rs61736773, gnomAD 0.003%). This variant has not been reported in the literature in individuals affected with DNAH9-related conditions. ClinVar contains an entry for this variant (Variation ID: 2133250). For these reasons, this variant has been classified as Pathogenic.

Literature cited by the submitters: PubMed 30471718.

NM_001372.4(DNAH9):c.10600C>T (p.Arg3534Ter)

Genes: DNAH9 (dynein axonemal heavy chain 9; plus strand), LOC101928350 (uncharacterized LOC101928350; minus strand). Cytogenetic location: 17p12.
Variant type: single nucleotide variant.
Coding change: c.10600C>T on transcript NM_001372.4 (MANE Select); coding-DNA position 10600, C replaced by T.
Protein change: p.Arg3534Ter; replaces arginine 3534 with a stop codon.
Molecular consequence: nonsense.
Genome position (GRCh38, 1-based): chr17:11,880,199, C>T. VCF-style: chr17-11880199-C-T. GRCh37 (hg19) VCF-style: chr17-11783516-C-T.
Other names: short protein forms R3534*.
Identifiers: ClinVar variation 2133250 (VCV002133250.4), dbSNP rs61736773, ClinGen allele CA8397559.
Genomic context (GRCh38, chr17:11,880,199, plus strand): 5'-GAGGAGTCCATTGATCCTGTTCTGGGACCCCTGCTTGGGAGAGAAGTCATTAAAAAAGGA[C>T]GGTAAGACTCAGCTGTGTTGCTGACCCTTCGGGGGGAGCTGGTTCATGGCCCTGGTTAGA-3'